The following is an entry in ClinVar:

ClinVar aggregate classification (germline): Benign. Review status: criteria provided, multiple submitters, no conflicts (2 of 4 stars). 4 submissions from 4 submitters: Benign (4). Last evaluated 2025-12-15.

Conditions:
Dystonic disorder. Also called: Dystonia. Identifiers: MedGen C0013421, MONDO:0003441, HP:0001332.
Early-onset generalized limb-onset dystonia. Also called: DYSTONIA MUSCULORUM DEFORMANS 1; Oppenheim's dystonia; Early onset torsion dystonia; DYT-TOR1A; Dystonia-1, torsion; Dystonia 1, modifier of. Identifiers: Orphanet 256, MedGen C1851945, MONDO:0007492, OMIM 128100.

Allele frequency attached by ClinVar (database versions not stated): 1000 Genomes Project 30x 0.15334; TOPMed 0.15668; 1000 Genomes Project 0.15875; gnomAD 0.16480 and 0.16764; gnomAD exomes 0.20855.
gnomAD v4.1: 160,133 of 797,746 alleles (20%); highest among the groups gnomAD compares: East Asian, 23%; 17,288 homozygotes.

Submissions (4):

Labcorp Genetics (formerly Invitae), Labcorp
Classification: Benign for Dystonic disorder. Last evaluated: 2025-12-15. Review status: criteria provided, single submitter. Criteria: Invitae Variant Classification Sherloc (09022015). Collection method: clinical testing. Allele origin: germline.

GeneDx
Classification: Benign. Last evaluated: 2018-08-14. Review status: criteria provided, single submitter. Criteria: GeneDx Variant Classification Process June 2021. Collection method: clinical testing. Allele origin: germline. Affected: yes.
Comment: This variant is associated with the following publications: (PMID: 25203860, 19202559, 17130424, 23460578, 23058565, 19642110)

Illumina Laboratory Services, Illumina
Classification: Benign for Early-onset generalized limb-onset dystonia. Last evaluated: 2018-03-06. Review status: criteria provided, single submitter. Criteria: ICSL Variant Classification Criteria 13 December 2019. Collection method: clinical testing. Allele origin: germline.
Comment: This variant was observed in the ICSL laboratory as part of a predisposition screen in an ostensibly healthy population. It had not been previously curated by ICSL or reported in the Human Gene Mutation Database (HGMD: prior to June 1st, 2018), and was therefore a candidate for classification through an automated scoring system. Utilizing variant allele frequency, disease prevalence and penetrance estimates, and inheritance mode, an automated score was calculated to assess if this variant is too frequent to cause the disease. Based on the score and internal cut-off values, a variant classified as benign is not then subjected to further curation. The score for this variant resulted in a classification of benign for this disease.

Breakthrough Genomics
Classification: Benign. Review status: criteria provided, single submitter. Criteria: ACMG Guidelines, 2015. Collection method: not provided. Allele origin: germline. Inheritance: Autosomal recessive inheritance. Affected: yes.

NM_000113.3(TOR1A):c.*191G>T

Gene: TOR1A (torsin family 1 member A; minus strand). Cytogenetic location: 9q34.11.
Variant type: single nucleotide variant.
Coding change: c.*191G>T on transcript NM_000113.3 (MANE Select); 191 bases downstream of the stop codon, G replaced by T.
Molecular consequence: 3 prime UTR variant.
Genome position (GRCh38, 1-based): chr9:129,813,781, C>A on the plus strand (G>T on the coding strand, the complement: TOR1A is on the minus strand). VCF-style: chr9-129813781-C-A. GRCh37 (hg19) VCF-style: chr9-132576060-C-A.
Identifiers: ClinVar variation 365229 (VCV000365229.16), dbSNP rs1182, ClinGen allele CA10632524.
Genomic context (GRCh38, chr9:129,813,781, plus strand): 5'-TGAGTGGGCTGGGAGCTGGCTCCTTCCTTCTGTGCGTGTTCGGGAGGCTTCACGTCCTCG[C>A]CCGTGGTCCCTGGGTGGCCTGCAGGCACCAGGGGGTGGAAACAATGCCAGGGAGAATTCC-3'